The following is an entry in ClinVar:

NM_000163.5(GHR):c.264A>G (p.Arg88=)

Gene: GHR (growth hormone receptor; plus strand). Cytogenetic location: 5p12.
Variant type: single nucleotide variant.
Coding change: c.264A>G on transcript NM_000163.5 (MANE Select); coding-DNA position 264, A replaced by G.
Protein change: p.Arg88=; no amino-acid change (arginine 88 retained).
Molecular consequence: synonymous variant.
Genome position (GRCh38, 1-based): chr5:42,689,017, A>G. VCF-style: chr5-42689017-A-G. GRCh37 (hg19) VCF-style: chr5-42689119-A-G.
Other names: c.285A>G, p.Arg95= (NM_001242399.2); c.264A>G, p.Arg88= (NM_001242400.2, NM_001242401.4, NM_001242402.2 and 5 more transcripts); c.198A>G, p.Arg66= (NM_001242460.2).
Identifiers: ClinVar variation 2881897 (VCV002881897.3), dbSNP rs2530643748, ClinGen allele CA443837859.

ClinVar aggregate classification (germline): Uncertain significance (1 of 4 stars; one submission).

gnomAD v4.1: 1 of 1,613,606 alleles (0.000062%); highest among the groups gnomAD compares: Non-Finnish European, 0.000085%; no homozygotes.

Submission:

Labcorp Genetics (formerly Invitae), Labcorp
Classification: Uncertain significance. Last evaluated: 2023-01-12. Review status: criteria provided, single submitter. Criteria: Invitae Variant Classification Sherloc (09022015). Collection method: clinical testing. Allele origin: germline.
Comment: This variant is not present in population databases (gnomAD no frequency). This sequence change affects codon 88 of the GHR mRNA. It is a 'silent' change, meaning that it does not change the encoded amino acid sequence of the GHR protein. Algorithms developed to predict the effect of sequence changes on RNA splicing suggest that this variant may disrupt the consensus splice site. This variant has not been reported in the literature in individuals affected with GHR-related conditions. In summary, the available evidence is currently insufficient to determine the role of this variant in disease. Therefore, it has been classified as a Variant of Uncertain Significance.